The following is an entry in ClinVar:

NM_001367916.1(MAGT1):c.399del (p.Met133fs)

Gene: MAGT1 (magnesium transporter 1; minus strand). Cytogenetic location: Xq21.1.
Variant type: Deletion.
Coding change: c.399del on transcript NM_001367916.1 (MANE Select); coding-DNA position 399, one base deleted (G; older notation c.399delG).
Protein change: p.Met133fs; shifts the reading frame from methionine 133.
Molecular consequence: frameshift variant.
Genome position (GRCh38, 1-based): chrX:77,857,489, C deleted on the plus strand (G on the coding strand, the reverse complement: MAGT1 is on the minus strand). VCF-style (leftmost placement, unchanged base first): chrX-77857488-TC-T. GRCh37 (hg19) VCF-style: chrX-77112985-TC-T.
Other names: c.495del, p.Met165fs (NM_032121.5); short protein forms M133fs, M165fs.
Identifiers: ClinVar variation 656224 (VCV000656224.2), dbSNP rs1603361811, ClinGen allele CA915951249.

ClinVar aggregate classification (germline): Likely pathogenic (1 of 4 stars; one submission).

Conditions:
X-linked immunodeficiency with magnesium defect, Epstein-Barr virus infection and neoplasia. Identifiers: Orphanet 317476, MedGen C3275445, MONDO:0010455, OMIM 300853.

Submission:

Labcorp Genetics (formerly Invitae), Labcorp
Classification: Likely pathogenic for Immunodeficiency, X-Linked, with magnesium defect, Epstein-Barr virus infection, and neoplasia. Last evaluated: 2019-03-05. Review status: criteria provided, single submitter. Criteria: Invitae Variant Classification Sherloc (09022015). Collection method: clinical testing. Allele origin: germline.
Comment: This variant is a deletion of the genomic region encompassing part of exon 4 (c.487-544_496del) of the MAGT1 gene. It is expected to disrupt RNA splicing and likely results in an absent or disrupted protein product. This variant has not been reported in the literature in individuals with MAGT1-related disease. Loss-of-function variants in MAGT1 are known to be pathogenic (PMID: 24550228). In summary, the currently available evidence indicates that the variant is pathogenic, but additional data are needed to prove that conclusively. Therefore, this variant has been classified as Likely Pathogenic.